The following is an entry in ClinVar:

ClinVar aggregate classification (germline): Uncertain significance (1 of 4 stars; one submission).

Submission:

GeneDx
Classification: Uncertain significance. Last evaluated: 2024-07-19. Review status: criteria provided, single submitter. Criteria: GeneDx Variant Classification Process June 2021. Collection method: clinical testing. Allele origin: germline. Affected: yes.
Comment: Not observed at significant frequency in large population cohorts (gnomAD); In silico analysis supports that this missense variant has a deleterious effect on protein structure/function; Has not been previously published as pathogenic or benign to our knowledge

NM_024496.4(IRF2BPL):c.11C>A (p.Ala4Glu)

Genes: IRF2BPL (interferon regulatory factor 2 binding protein like; minus strand), LOC107984638 (uncharacterized LOC107984638; plus strand). Cytogenetic location: 14q24.3.
Variant type: single nucleotide variant.
Coding change: c.11C>A on transcript NM_024496.4 (MANE Select); coding-DNA position 11, C replaced by A.
Protein change: p.Ala4Glu; replaces alanine 4 with glutamic acid.
Molecular consequence: missense variant. On other transcripts: non-coding transcript variant (3).
Genome position (GRCh38, 1-based): chr14:77,027,782, G>T on the plus strand (C>A on the coding strand, the complement: IRF2BPL is on the minus strand). VCF-style: chr14-77027782-G-T. GRCh37 (hg19) VCF-style: chr14-77494125-G-T.
Other names: short protein forms A4E.
Identifiers: ClinVar variation 3600727 (VCV003600727.1).